The following is an entry in ClinVar:

ClinVar aggregate classification (germline): Pathogenic/Likely pathogenic. Review status: criteria provided, multiple submitters, no conflicts (2 of 4 stars). 4 submissions from 4 submitters: Pathogenic (2); Likely pathogenic (1). 1 of the submissions does not count toward it. Last evaluated 2025-04-04.

Conditions:
GPNMB-related disorder. Also called: GPNMB-related condition.
Amyloidosis, primary localized cutaneous, 3. Also called: AMYLOIDOSIS CUTIS DYSCHROMICA. Identifiers: MedGen C4554421, MONDO:0054765, OMIM 617920.

Submissions (4):

Women's Health and Genetics/Laboratory Corporation of America, LabCorp
Classification: Pathogenic for Amyloidosis, primary localized cutaneous, 3. Last evaluated: 2025-04-04. Review status: criteria provided, single submitter. Criteria: LabCorp Variant Classification Summary - May 2015. Collection method: clinical testing. Allele origin: germline.
Comment: Variant summary: GPNMB c.319_332del14 (p.Lys107TrpfsX6) results in a premature termination codon, predicted to cause a truncation of the encoded protein or absence of the protein due to nonsense mediated decay, which are commonly known mechanisms for disease. The variant allele was found at a frequency of 0.00059 in 251404 control chromosomes in the gnomAD database, including 1 homozygotes. This frequency is not significantly higher than estimated for a pathogenic variant in GPNMB causing Amyloidosis, Primary Localized Cutaneous, 3, allowing no conclusion about variant significance. To our knowledge, no occurrence of c.319_332del14 in individuals affected with Amyloidosis, Primary Localized Cutaneous, 3 and no experimental evidence demonstrating its impact on protein function have been reported. ClinVar contains an entry for this variant (Variation ID: 1324506). Based on the evidence outlined above, the variant was classified as pathogenic.

Revvity Omics, Revvity
Classification: Likely pathogenic for Amyloidosis, primary localized cutaneous, 3. Last evaluated: 2019-08-23. Review status: criteria provided, single submitter. Criteria: ACMG Guidelines, 2015. Collection method: clinical testing. Allele origin: germline.

Labcorp Genetics (formerly Invitae), Labcorp
Classification: Pathogenic. Last evaluated: 2017-12-07. Review status: criteria provided, single submitter. Criteria: Invitae Variant Classification Sherloc (09022015). Collection method: clinical testing. Allele origin: germline.
Comment: This sequence change creates a premature translational stop signal (p.Lys107Trpfs*6) in the GPNMB gene. It is expected to result in an absent or disrupted protein product. The frequency data for this variant in the population databases is considered unreliable, as metrics indicate poor data quality at this position in the ExAC database. This variant has not been reported in the literature in individuals with GPNMB-related disease. Loss-of-function variants in GPNMB are known to be pathogenic (PMID: 29336782). For these reasons, this variant has been classified as Pathogenic.

PreventionGenetics, part of Exact Sciences
Classification: Likely pathogenic for GPNMB-related condition. Last evaluated: 2024-05-06. Review status: no assertion criteria provided. Collection method: clinical testing. Allele origin: germline. Not counted in ClinVar's aggregate classification.
Comment: The GPNMB c.319_332del14 variant is predicted to result in a frameshift and premature protein termination (p.Lys107Trpfs*6). To our knowledge, this variant has not been reported in the literature in association with GPNMB-related disease. This variant is reported in 0.12% of alleles in individuals of Latino descent in gnomAD. Frameshift variants in GPNMB are expected to be pathogenic. This variant is interpreted as likely pathogenic.

Literature cited by the submitters: PubMed 29336782 (cited by Labcorp Genetics (formerly Invitae), Labcorp).

NM_002510.3(GPNMB):c.319_332del (p.Lys107fs)

Gene: GPNMB (glycoprotein nmb; plus strand). Cytogenetic location: 7p15.3.
Variant type: Deletion.
Coding change: c.319_332del on transcript NM_002510.3 (MANE Select); coding-DNA positions 319 to 332, 14 bases deleted (AAGGAAGATGCCAA).
Protein change: p.Lys107fs; shifts the reading frame from lysine 107.
Molecular consequence: frameshift variant.
Genome position (GRCh38, 1-based): chr7:23,254,264-23,254,277, AAGGAAGATGCCAA deleted; deleting any 14 consecutive bases within chr7:23,254,255-23,254,277 gives the same sequence; the c. name uses the placement nearest the transcript's 3' end. VCF-style (leftmost placement, unchanged base first): chr7-23254254-TAGATGCCAAAAGGA-T. GRCh37 (hg19) VCF-style: chr7-23293873-TAGATGCCAAAAGGA-T.
Other names: c.319_332del14 (NM_001005340.1, NM_001005340.2); c.319_332del, p.Lys107fs (NM_001005340.2); short protein forms K107fs.
Identifiers: ClinVar variation 1324506 (VCV001324506.8), dbSNP rs758729806, ClinGen allele CA4187327.